The following is an entry in ClinVar:

NM_001190274.2(FBXO11):c.620C>T (p.Thr207Ile)

Gene: FBXO11 (F-box protein 11; minus strand). Cytogenetic location: 2p16.3.
Variant type: single nucleotide variant.
Coding change: c.620C>T on transcript NM_001190274.2 (MANE Select); coding-DNA position 620, C replaced by T.
Protein change: p.Thr207Ile; replaces threonine 207 with isoleucine.
Molecular consequence: missense variant.
Genome position (GRCh38, 1-based): chr2:47,835,969, G>A on the plus strand (C>T on the coding strand, the complement: FBXO11 is on the minus strand). VCF-style: chr2-47835969-G-A. GRCh37 (hg19) VCF-style: chr2-48063108-G-A.
Other names: c.368C>T, p.Thr123Ile (NM_001374325.1, NM_025133.4); short protein forms T123I, T207I.
Identifiers: ClinVar variation 2833843 (VCV002833843.3), dbSNP rs772698390, ClinGen allele CA346812365.
Genomic context (GRCh38, chr2:47,835,969, plus strand): 5'-TCATACTCTTCTGGATTAATCTGGTAGAATTTTCCAGGTTCAGGATGCATCATAGGGCGA[G>A]TATATTCAAATACTTCCATATATAATCGTTTCCTGAACAGAGAAAGGAATTAAAATTTTC-3'
Protein context (NP_001177203.1, residues 197-217): KRLYMEVFEY[Thr207Ile]RPMMHPEPGK

ClinVar aggregate classification (germline): Uncertain significance (1 of 4 stars; one submission).

gnomAD v4.1: 2 of 1,609,914 alleles (0.00012%); highest among the groups gnomAD compares: African/African-American, 0.0013%; no homozygotes.

Submission:

Labcorp Genetics (formerly Invitae), Labcorp
Classification: Uncertain significance. Last evaluated: 2023-02-02. Review status: criteria provided, single submitter. Criteria: Invitae Variant Classification Sherloc (09022015). Collection method: clinical testing. Allele origin: germline.
Comment: In summary, the available evidence is currently insufficient to determine the role of this variant in disease. Therefore, it has been classified as a Variant of Uncertain Significance. Algorithms developed to predict the effect of missense changes on protein structure and function (SIFT, PolyPhen-2, Align-GVGD) all suggest that this variant is likely to be tolerated. This variant has not been reported in the literature in individuals affected with FBXO11-related conditions. This variant is not present in population databases (gnomAD no frequency). This sequence change replaces threonine, which is neutral and polar, with isoleucine, which is neutral and non-polar, at codon 207 of the FBXO11 protein (p.Thr207Ile).